The following is an entry in ClinVar:

ClinVar aggregate classification (germline): Pathogenic/Likely pathogenic. Review status: criteria provided, multiple submitters, no conflicts (2 of 4 stars). 2 submissions from 2 submitters: Pathogenic (1); Likely pathogenic (1). Last evaluated 2023-07-07.

Conditions:
TYR-related disorder. Also called: TYR-related condition.

Submissions (2):

Labcorp Genetics (formerly Invitae), Labcorp
Classification: Pathogenic. Last evaluated: 2023-07-07. Review status: criteria provided, single submitter. Criteria: Invitae Variant Classification Sherloc (09022015). Collection method: clinical testing. Allele origin: germline.
Comment: This variant is not present in population databases (gnomAD no frequency). This sequence change creates a premature translational stop signal (p.Phe176Cysfs*17) in the TYR gene. It is expected to result in an absent or disrupted protein product. Loss-of-function variants in TYR are known to be pathogenic (PMID: 23504663). This variant has not been reported in the literature in individuals affected with TYR-related conditions. For these reasons, this variant has been classified as Pathogenic.

Blueprint Genetics
Classification: Likely pathogenic for TYR-related disorders. Last evaluated: 2019-10-04. Review status: criteria provided, single submitter. Criteria: ACMG Guidelines, 2015. Collection method: clinical testing. Allele origin: germline. Affected: yes. Observed: 1 variant allele.

Literature cited by the submitters: PubMed 23504663 (cited by Labcorp Genetics (formerly Invitae), Labcorp).

NM_000372.5(TYR):c.525_526del (p.Phe176fs)

Gene: TYR (tyrosinase; plus strand). Cytogenetic location: 11q14.3.
Variant type: Microsatellite.
Coding change: c.525_526del on transcript NM_000372.5 (MANE Select); coding-DNA positions 525 to 526, 2 bases deleted (CT; older notation c.525_526delCT).
Protein change: p.Phe176fs; shifts the reading frame from phenylalanine 176.
Molecular consequence: frameshift variant.
Genome position (GRCh38, 1-based): chr11:89,178,478-89,178,479, CT deleted; deleting any 2 consecutive bases within chr11:89,178,476-89,178,479 gives the same sequence; the c. name uses the placement nearest the transcript's 3' end. VCF-style (leftmost placement, unchanged base first): chr11-89178475-CCT-C. GRCh37 (hg19) VCF-style: chr11-88911643-CCT-C.
Other names: short protein forms F176fs.
Identifiers: ClinVar variation 2736529 (VCV002736529.4), dbSNP rs2496529623, ClinGen allele CA2697548861.
Genomic context (GRCh38, chr11:89,178,475, plus strand): 5'-GACCTATGGCCAAATGAAAAATGGATCAACACCCATGTTTAACGACATCAATATTTATGA[CCT>C]CTTTGTCTGGATGCATTATTATGTGTCAATGGATGCACTGCTTGGGGGATCTGAAATCTG-3'